The following is an entry in ClinVar:

NM_004991.4(MECOM):c.1440C>G (p.Thr480=)

Gene: MECOM (MDS1 and EVI1 complex locus; minus strand). Cytogenetic location: 3q26.2.
Variant type: single nucleotide variant.
Coding change: c.1440C>G on transcript NM_004991.4 (MANE Select); coding-DNA position 1440, C replaced by G.
Protein change: p.Thr480=; no amino-acid change (threonine 480 retained).
Molecular consequence: synonymous variant. On other transcripts: intron variant (2).
Genome position (GRCh38, 1-based): chr3:169,116,432, G>C on the plus strand (C>G on the coding strand, the complement: MECOM is on the minus strand). VCF-style: chr3-169116432-G-C. GRCh37 (hg19) VCF-style: chr3-168834220-G-C.
Other names: c.1071C>G, p.Thr357= (NM_001105077.4); c.876C>G, p.Thr292= (NM_001105078.4, NM_001164000.2, NM_001205194.2 and 4 more transcripts); c.879C>G, p.Thr293= (NM_001163999.2, NM_001366467.2, NM_001366468.2 and 1 more transcripts); c.1440C>G, p.Thr480= (NM_001366466.2); c.1133-665C>G (NM_001366473.2); c.569-665C>G (NM_001366474.2); c.1440C>G (NM_004991.3).
Identifiers: ClinVar variation 3050465 (VCV003050465.3), dbSNP rs1729176839, ClinGen allele CA436955720.

ClinVar aggregate classification (germline): Likely benign. Review status: criteria provided, single submitter (1 of 4 stars). 2 submissions from 2 submitters: Likely benign (1). 1 of the submissions does not count toward it. Last evaluated 2025-07-05.

Conditions:
MECOM-related disorder. Also called: MECOM-related condition.
Inborn genetic diseases. Identifiers: MedGen C0950123, MeSH D030342.

Allele frequency attached by ClinVar (database versions not stated): TOPMed below 0.00001; gnomAD exomes 0.00001.
gnomAD v4.1: 4 of 1,614,204 alleles (0.00025%); highest among the groups gnomAD compares: Non-Finnish European, 0.00034%; no homozygotes.

Submissions (2):

Ambry Genetics
Classification: Likely benign for Inborn genetic diseases. Last evaluated: 2025-07-05. Review status: criteria provided, single submitter. Criteria: Ambry Variant Classification Scheme 2023. Collection method: clinical testing. Allele origin: germline.

PreventionGenetics, part of Exact Sciences
Classification: Likely benign for MECOM-related condition. Last evaluated: 2019-07-24. Review status: no assertion criteria provided. Collection method: clinical testing. Allele origin: germline. Not counted in ClinVar's aggregate classification.
Comment: This variant is classified as likely benign based on ACMG/AMP sequence variant interpretation guidelines (Richards et al. 2015 PMID: 25741868, with internal and published modifications).